The following is an entry in ClinVar:

NM_001414.4(EIF2B1):c.205G>A (p.Gly69Arg)

Gene: EIF2B1 (eukaryotic translation initiation factor 2B subunit alpha; minus strand). Cytogenetic location: 12q24.31.
Variant type: single nucleotide variant.
Coding change: c.205G>A on transcript NM_001414.4 (MANE Select); coding-DNA position 205, G replaced by A.
Protein change: p.Gly69Arg; replaces glycine 69 with arginine.
Molecular consequence: missense variant.
Genome position (GRCh38, 1-based): chr12:123,630,444, C>T on the plus strand (G>A on the coding strand, the complement: EIF2B1 is on the minus strand). VCF-style: chr12-123630444-C-T. GRCh37 (hg19) VCF-style: chr12-124114991-C-T.
Other names: short protein forms G69R.
Identifiers: ClinVar variation 3375980 (VCV003375980.3).

ClinVar aggregate classification (germline): Uncertain significance. Review status: criteria provided, multiple submitters, no conflicts (2 of 4 stars). 2 submissions from 2 submitters: Uncertain significance (2). Last evaluated 2024-05-02.

gnomAD v4.1: 6 of 1,614,092 alleles (0.00037%); highest among the groups gnomAD compares: Non-Finnish European, 0.00042%; no homozygotes.

Submissions (2):

GeneDx
Classification: Uncertain significance. Last evaluated: 2024-05-02. Review status: criteria provided, single submitter. Criteria: GeneDx Variant Classification Process June 2021. Collection method: clinical testing. Allele origin: germline. Affected: yes.
Comment: Not observed at significant frequency in large population cohorts (gnomAD); In silico analysis indicates that this missense variant does not alter protein structure/function; Has not been previously published as pathogenic or benign to our knowledge

Labcorp Genetics (formerly Invitae), Labcorp
Classification: Uncertain significance. Last evaluated: 2024-02-23. Review status: criteria provided, single submitter. Criteria: Invitae Variant Classification Sherloc (09022015). Collection method: clinical testing. Allele origin: germline.
Comment: This sequence change replaces glycine, which is neutral and non-polar, with arginine, which is basic and polar, at codon 69 of the EIF2B1 protein (p.Gly69Arg). This variant is not present in population databases (gnomAD no frequency). This variant has not been reported in the literature in individuals affected with EIF2B1-related conditions. Advanced modeling of protein sequence and biophysical properties (such as structural, functional, and spatial information, amino acid conservation, physicochemical variation, residue mobility, and thermodynamic stability) performed at Invitae indicates that this missense variant is not expected to disrupt EIF2B1 protein function with a negative predictive value of 80%. In summary, the available evidence is currently insufficient to determine the role of this variant in disease. Therefore, it has been classified as a Variant of Uncertain Significance.